The following is an entry in ClinVar:

ClinVar aggregate classification (germline): Uncertain significance (1 of 4 stars; one submission).

Conditions:
Emery-Dreifuss muscular dystrophy 5, autosomal dominant (EDMD5). Also called: EMERY-DREIFUSS MUSCULAR DYSTROPHY 5. Identifiers: Orphanet 261, MedGen C2751805, MONDO:0013072, OMIM 612999.

Submission:

Labcorp Genetics (formerly Invitae), Labcorp
Classification: Uncertain significance for Emery-Dreifuss muscular dystrophy 5, autosomal dominant. Last evaluated: 2022-12-26. Review status: criteria provided, single submitter. Criteria: Invitae Variant Classification Sherloc (09022015). Collection method: clinical testing. Allele origin: germline.
Comment: This variant, c.14374_14376del, results in the deletion of 1 amino acid(s) of the SYNE2 protein (p.Leu4792del), but otherwise preserves the integrity of the reading frame. This variant is not present in population databases (gnomAD no frequency). This variant has not been reported in the literature in individuals affected with SYNE2-related conditions. Experimental studies and prediction algorithms are not available or were not evaluated, and the functional significance of this variant is currently unknown. In summary, the available evidence is currently insufficient to determine the role of this variant in disease. Therefore, it has been classified as a Variant of Uncertain Significance.

NM_182914.3(SYNE2):c.14371TTG[1] (p.Leu4792del)

Gene: SYNE2 (spectrin repeat containing nuclear envelope protein 2; plus strand). Cytogenetic location: 14q23.2.
Variant type: Microsatellite.
Coding change: c.14371TTG[1] on transcript NM_182914.3 (MANE Select); one copy of the 3-base unit TTG starting at c.14371; the reference has two copies in a row; one copy, 3 bases deleted.
Protein change: p.Leu4792del; deletes leucine 4792.
Molecular consequence: inframe deletion.
Genome position (GRCh38, 1-based): chr14:64,132,298-64,132,300, TTG deleted; deleting any 3 consecutive bases within chr14:64,132,293-64,132,300 gives the same sequence; the position shown is the placement nearest the transcript's 3' end. VCF-style (leftmost placement, unchanged base first): chr14-64132292-ATGT-A. GRCh37 (hg19) VCF-style: chr14-64599010-ATGT-A.
Other names: c.14371TTG[1], p.Leu4792del (NM_015180.6); short protein forms L4792del.
Identifiers: ClinVar variation 2890644 (VCV002890644.3), dbSNP rs368732450, ClinGen allele CA261854871.